The following is an entry in ClinVar:

NM_002470.4(MYH3):c.2558T>C (p.Met853Thr)

Gene: MYH3 (myosin heavy chain 3; minus strand). Cytogenetic location: 17p13.1.
Variant type: single nucleotide variant.
Coding change: c.2558T>C on transcript NM_002470.4 (MANE Select); coding-DNA position 2558, T replaced by C.
Protein change: p.Met853Thr; replaces methionine 853 with threonine.
Molecular consequence: missense variant.
Genome position (GRCh38, 1-based): chr17:10,640,120, A>G on the plus strand (T>C on the coding strand, the complement: MYH3 is on the minus strand). VCF-style: chr17-10640120-A-G. GRCh37 (hg19) VCF-style: chr17-10543437-A-G.
Other names: short protein forms M853T.
Identifiers: ClinVar variation 2014884 (VCV002014884.4), dbSNP rs2508601003, ClinGen allele CA398161989.

ClinVar aggregate classification (germline): Uncertain significance (1 of 4 stars; one submission).

Submission:

Labcorp Genetics (formerly Invitae), Labcorp
Classification: Uncertain significance. Last evaluated: 2022-07-07. Review status: criteria provided, single submitter. Criteria: Invitae Variant Classification Sherloc (09022015). Collection method: clinical testing. Allele origin: germline.
Comment: In summary, the available evidence is currently insufficient to determine the role of this variant in disease. Therefore, it has been classified as a Variant of Uncertain Significance. Algorithms developed to predict the effect of missense changes on protein structure and function are either unavailable or do not agree on the potential impact of this missense change (SIFT: "Deleterious"; PolyPhen-2: "Benign"; Align-GVGD: "Class C65"). This variant has not been reported in the literature in individuals affected with MYH3-related conditions. This variant is not present in population databases (gnomAD no frequency). This sequence change replaces methionine, which is neutral and non-polar, with threonine, which is neutral and polar, at codon 853 of the MYH3 protein (p.Met853Thr).